The following is an entry in ClinVar:

NM_004408.4(DNM1):c.1806G>C (p.Gln602His)

Gene: DNM1 (dynamin 1; plus strand). Cytogenetic location: 9q34.11.
Variant type: single nucleotide variant.
Coding change: c.1806G>C on transcript NM_004408.4 (MANE Select); coding-DNA position 1806, G replaced by C.
Protein change: p.Gln602His; replaces glutamine 602 with histidine.
Molecular consequence: missense variant.
Genome position (GRCh38, 1-based): chr9:128,247,399, G>C. VCF-style: chr9-128247399-G-C. GRCh37 (hg19) VCF-style: chr9-131009678-G-C.
Other names: c.1806G>C, p.Gln602His (NM_001005336.3, NM_001288737.2, NM_001288738.2 and 2 more transcripts); short protein forms Q602H.
Identifiers: ClinVar variation 3383738 (VCV003383738.1).

ClinVar aggregate classification (germline): Uncertain significance (1 of 4 stars; one submission).

gnomAD v4.1: 1 of 1,612,932 alleles (0.000062%); highest among the groups gnomAD compares: African/African-American, 0.0013%; no homozygotes.

Submission:

GeneDx
Classification: Uncertain significance. Last evaluated: 2024-05-28. Review status: criteria provided, single submitter. Criteria: GeneDx Variant Classification Process June 2021. Collection method: clinical testing. Allele origin: germline. Affected: yes.
Comment: Not observed at significant frequency in large population cohorts (gnomAD); In silico analysis supports that this missense variant has a deleterious effect on protein structure/function; Has not been previously published as pathogenic or benign to our knowledge